The following is an entry in ClinVar:

NM_002734.5(PRKAR1A):c.441-5del

Gene: PRKAR1A (protein kinase cAMP-dependent type I regulatory subunit alpha; plus strand). Cytogenetic location: 17q24.2.
Variant type: Deletion.
Coding change: c.441-5del on transcript NM_002734.5 (MANE Select); 5 bases into the intron before coding-DNA position 441, one base deleted (T; older notation c.441-5delT).
Molecular consequence: intron variant.
Genome position (GRCh38, 1-based): chr17:68,524,011, T deleted; the last of 4 consecutive T bases (chr17:68,524,008-68,524,011); deleting any one gives the same sequence. VCF-style (leftmost placement, unchanged base first): chr17-68524007-CT-C. GRCh37 (hg19) VCF-style: chr17-66520148-CT-C.
Other names: c.441-5delT (NM_002734.4, NM_002734.5); c.441-5del (NM_001278433.2, NM_001369389.1, NM_212471.3 and 4 more transcripts).
Identifiers: ClinVar variation 536906 (VCV000536906.15), dbSNP rs777677808, ClinGen allele CA8729260.
Genomic context (GRCh38, chr17:68,524,007, plus strand): 5'-TAAGCTTAATGTTTGAAATTCACGGAAGAGACATGTGAAATGTAACACGAGGCCTTCTCT[CT>C]TTTGCAGTGATATTTTTGATGCCATGTTTTCGGTCTCCTTTATCGCAGGAGAGACTGTGA-3'

ClinVar aggregate classification (germline): Likely benign. Review status: criteria provided, multiple submitters, no conflicts (2 of 4 stars). 3 submissions from 3 submitters: Likely benign (3). Last evaluated 2025-12-23.

Conditions:
Carney complex, type 1 (CNC1). Also called: CARNEY MYXOMA-ENDOCRINE COMPLEX; CARNEY COMPLEX, TYPE I. Identifiers: Orphanet 1359, MedGen C2607929, MONDO:0008057, OMIM 160980.

Submissions (3):

Labcorp Genetics (formerly Invitae), Labcorp
Classification: Likely benign for Carney complex, type 1. Last evaluated: 2025-12-23. Review status: criteria provided, single submitter. Criteria: Invitae Variant Classification Sherloc (09022015). Collection method: clinical testing. Allele origin: germline.

Women's Health and Genetics/Laboratory Corporation of America, LabCorp
Classification: Likely benign. Last evaluated: 2025-04-28. Review status: criteria provided, single submitter. Criteria: LabCorp Variant Classification Summary - May 2015. Collection method: clinical testing. Allele origin: germline.
Comment: Variant summary: PRKAR1A c.441-5delT alters a nucleotide located at a position not widely known to affect splicing. Consensus agreement among computation tools predict no significant impact on normal splicing. However, these predictions have yet to be confirmed by functional studies. The variant allele was found at a frequency of 8e-06 in 251388 control chromosomes. The available data on variant occurrences in the general population are insufficient to allow any conclusion about variant significance. To our knowledge, no occurrence of c.441-5delT in individuals affected with Carney Complex and no experimental evidence demonstrating its impact on protein function have been reported. ClinVar contains an entry for this variant (Variation ID: 536906). Based on the evidence outlined above, the variant was classified as likely benign.

GeneDx
Classification: Likely benign. Last evaluated: 2023-11-08. Review status: criteria provided, single submitter. Criteria: GeneDx Variant Classification Process June 2021. Collection method: clinical testing. Allele origin: germline. Affected: yes.
Comment: See Variant Classification Assertion Criteria.